The following is an entry in ClinVar:

NM_138348.6(OTULIN):c.463A>T (p.Met155Leu)

Gene: OTULIN (OTU deubiquitinase with linear linkage specificity; plus strand). Cytogenetic location: 5p15.2.
Variant type: single nucleotide variant.
Coding change: c.463A>T on transcript NM_138348.6 (MANE Select); coding-DNA position 463, A replaced by T.
Protein change: p.Met155Leu; replaces methionine 155 with leucine.
Molecular consequence: missense variant.
Genome position (GRCh38, 1-based): chr5:14,681,602, A>T. VCF-style: chr5-14681602-A-T. GRCh37 (hg19) VCF-style: chr5-14681711-A-T.
Other names: p.Met155Leu; c.463A>T (NM_138348.5); short protein forms M155L.
Identifiers: ClinVar variation 789735 (VCV000789735.16), dbSNP rs11953822, ClinGen allele CA3208605.

ClinVar aggregate classification (germline): Benign/Likely benign. Review status: criteria provided, multiple submitters, no conflicts (2 of 4 stars). 5 submissions from 5 submitters: Benign (3); Likely benign (1). 1 of the submissions does not count toward it. Last evaluated 2026-01-28.

Conditions:
OTULIN-related disorder. Also called: OTULIN-related condition.

Allele frequency attached by ClinVar (database versions not stated): ESP Exome Variant Server 0.01991; TOPMed 0.02044; 1000 Genomes Project 0.02636; 1000 Genomes Project 30x 0.02655.

Submissions (5):

Labcorp Genetics (formerly Invitae), Labcorp
Classification: Benign. Last evaluated: 2026-01-28. Review status: criteria provided, single submitter. Criteria: Invitae Variant Classification Sherloc (09022015). Collection method: clinical testing. Allele origin: germline.

Women's Health and Genetics/Laboratory Corporation of America, LabCorp
Classification: Likely benign. Last evaluated: 2026-01-21. Review status: criteria provided, single submitter. Criteria: LabCorp Variant Classification Summary - May 2015. Collection method: clinical testing. Allele origin: germline.

Mayo Clinic Laboratories, Mayo Clinic
Classification: Benign. Last evaluated: 2023-09-10. Review status: criteria provided, single submitter. Criteria: ACMG Guidelines, 2015. Collection method: clinical testing. Allele origin: germline. Observed: 5 variant alleles.

Breakthrough Genomics
Classification: Benign. Review status: criteria provided, single submitter. Criteria: ACMG Guidelines, 2015. Collection method: not provided. Allele origin: germline. Inheritance: Autosomal recessive inheritance. Affected: yes.

PreventionGenetics, part of Exact Sciences
Classification: Benign for OTULIN-related condition. Last evaluated: 2019-08-09. Review status: no assertion criteria provided. Collection method: clinical testing. Allele origin: germline. Not counted in ClinVar's aggregate classification.
Comment: This variant is classified as benign based on ACMG/AMP sequence variant interpretation guidelines (Richards et al. 2015 PMID: 25741868, with internal and published modifications).